The following is an entry in ClinVar:

ClinVar aggregate classification (germline): Uncertain significance. Review status: criteria provided, multiple submitters, no conflicts (2 of 4 stars). 2 submissions from 2 submitters: Uncertain significance (2). Last evaluated 2025-09-28.

Conditions:
Hereditary cancer-predisposing syndrome. Also called: Neoplastic Syndromes, Hereditary; Hereditary Cancer Syndrome; Hereditary neoplastic syndrome; Tumor predisposition. Identifiers: Orphanet 140162, MedGen C0027672, MeSH D009386, MONDO:0015356.
Neuroblastoma, susceptibility to, 3. Also called: ALK-Related Neuroblastic Tumor Susceptibility. Identifiers: Orphanet 635, MedGen C2751681, MONDO:0013083, OMIM 613014.

Allele frequency attached by ClinVar (database versions not stated): gnomAD exomes below 0.00001; gnomAD 0.00001; TOPMed 0.00001.
gnomAD v4.1: 4 of 1,608,950 alleles (0.00025%); highest among the groups gnomAD compares: Middle Eastern, 0.017%; no homozygotes.

Submissions (2):

Labcorp Genetics (formerly Invitae), Labcorp
Classification: Uncertain significance for Neuroblastoma, susceptibility to, 3. Last evaluated: 2025-09-28. Review status: criteria provided, single submitter. Criteria: Invitae Variant Classification Sherloc (09022015). Collection method: clinical testing. Allele origin: germline.
Comment: This sequence change replaces arginine, which is basic and polar, with glutamine, which is neutral and polar, at codon 41 of the ALK protein (p.Arg41Gln). This variant is not present in population databases (gnomAD no frequency). This variant has not been reported in the literature in individuals affected with ALK-related conditions. ClinVar contains an entry for this variant (Variation ID: 641819). An algorithm developed to predict the effect of missense changes on protein structure and function (PolyPhen-2) suggests that this variant is likely to be disruptive. In summary, the available evidence is currently insufficient to determine the role of this variant in disease. Therefore, it has been classified as a Variant of Uncertain Significance.

Ambry Genetics
Classification: Uncertain significance for Hereditary cancer-predisposing syndrome. Last evaluated: 2024-12-12. Review status: criteria provided, single submitter. Criteria: Ambry Variant Classification Scheme 2023. Collection method: clinical testing. Allele origin: germline.
Comment: The p.R41Q variant (also known as c.122G>A), located in coding exon 1 of the ALK gene, results from a G to A substitution at nucleotide position 122. The arginine at codon 41 is replaced by glutamine, an amino acid with highly similar properties. This amino acid position is conserved. In addition, this alteration is predicted to be tolerated by in silico analysis. Since supporting evidence is limited at this time, the clinical significance of this alteration remains unclear.

NM_004304.5(ALK):c.122G>A (p.Arg41Gln)

Gene: ALK (ALK receptor tyrosine kinase; minus strand). Cytogenetic location: 2p23.1.
Variant type: single nucleotide variant.
Coding change: c.122G>A on transcript NM_004304.5 (MANE Select); coding-DNA position 122, G replaced by A.
Protein change: p.Arg41Gln; replaces arginine 41 with glutamine.
Molecular consequence: missense variant.
Genome position (GRCh38, 1-based): chr2:29,920,538, C>T on the plus strand (G>A on the coding strand, the complement: ALK is on the minus strand). VCF-style: chr2-29920538-C-T. GRCh37 (hg19) VCF-style: chr2-30143404-C-T.
Other names: short protein forms R41Q.
Identifiers: ClinVar variation 641819 (VCV000641819.12), dbSNP rs1572503919, ClinGen allele CA346590658.